The following is an entry in ClinVar:

NM_003494.4(DYSF):c.9G>C (p.Arg3Ser)

Gene: DYSF (dysferlin; plus strand). Cytogenetic location: 2p13.2.
Variant type: single nucleotide variant.
Coding change: c.9G>C on transcript NM_003494.4 (MANE Plus Clinical); coding-DNA position 9, G replaced by C.
Protein change: p.Arg3Ser; replaces arginine 3 with serine.
Molecular consequence: missense variant.
Genome position (GRCh38, 1-based): chr2:71,454,007, G>C. VCF-style: chr2-71454007-G-C. GRCh37 (hg19) VCF-style: chr2-71681137-G-C.
Other names: c.9G>C, p.Arg3Ser (NM_001130976.2, NM_001130977.2, NM_001130978.2 and 3 more transcripts); short protein forms R3S.
Identifiers: ClinVar variation 2128646 (VCV002128646.4), dbSNP rs2152620707, ClinGen allele CA347205848.

ClinVar aggregate classification (germline): Uncertain significance (1 of 4 stars; one submission).

Conditions:
Neuromuscular disease caused by qualitative or quantitative defects of dysferlin. Also called: Qualitative or quantitative defects of dysferlin; Dysferlinopathy. Identifiers: Orphanet 207073, MedGen C2931687, MONDO:0016145.

Submission:

Labcorp Genetics (formerly Invitae), Labcorp
Classification: Uncertain significance for Neuromuscular disease caused by qualitative or quantitative defects of dysferlin. Last evaluated: 2022-04-22. Review status: criteria provided, single submitter. Criteria: Invitae Variant Classification Sherloc (09022015). Collection method: clinical testing. Allele origin: germline.
Comment: This sequence change replaces arginine, which is basic and polar, with serine, which is neutral and polar, at codon 3 of the DYSF protein (p.Arg3Ser). This variant is not present in population databases (gnomAD no frequency). This variant has not been reported in the literature in individuals affected with DYSF-related conditions. Advanced modeling of protein sequence and biophysical properties (such as structural, functional, and spatial information, amino acid conservation, physicochemical variation, residue mobility, and thermodynamic stability) performed at Invitae indicates that this missense variant is not expected to disrupt DYSF protein function. In summary, the available evidence is currently insufficient to determine the role of this variant in disease. Therefore, it has been classified as a Variant of Uncertain Significance.